The following is an entry in ClinVar:

ClinVar aggregate classification (germline): Uncertain significance (1 of 4 stars; one submission).

Allele frequency attached by ClinVar (database versions not stated): gnomAD exomes 0.00001 and 0.00003; ExAC 0.00002; gnomAD 0.00002.
gnomAD v4.1: 15 of 1,610,974 alleles (0.00093%); highest among the groups gnomAD compares: African/African-American, 0.0027%; no homozygotes.

Submission:

Labcorp Genetics (formerly Invitae), Labcorp
Classification: Uncertain significance. Last evaluated: 2025-10-09. Review status: criteria provided, single submitter. Criteria: Invitae Variant Classification Sherloc (09022015). Collection method: clinical testing. Allele origin: germline.
Comment: This sequence change replaces arginine, which is basic and polar, with histidine, which is basic and polar, at codon 704 of the PROM1 protein (p.Arg704His). This variant is present in population databases (rs771239030, gnomAD 0.04%). This variant has not been reported in the literature in individuals affected with PROM1-related conditions. ClinVar contains an entry for this variant (Variation ID: 952391). Invitae Evidence Modeling of protein sequence and biophysical properties (such as structural, functional, and spatial information, amino acid conservation, physicochemical variation, residue mobility, and thermodynamic stability) indicates that this missense variant is not expected to disrupt PROM1 protein function with a negative predictive value of 80%. This variant disrupts the p.Arg704 amino acid residue in PROM1. Other variant(s) that disrupt this residue have been determined to be pathogenic (internal data). This suggests that this residue is clinically significant, and that variants that disrupt this residue are likely to be disease-causing. In summary, the available evidence is currently insufficient to determine the role of this variant in disease. Therefore, it has been classified as a Variant of Uncertain Significance.

NM_006017.3(PROM1):c.2111G>A (p.Arg704His)

Gene: PROM1 (prominin 1; minus strand). Cytogenetic location: 4p15.32.
Variant type: single nucleotide variant.
Coding change: c.2111G>A on transcript NM_006017.3 (MANE Select); coding-DNA position 2111, G replaced by A.
Protein change: p.Arg704His; replaces arginine 704 with histidine.
Molecular consequence: missense variant.
Genome position (GRCh38, 1-based): chr4:15,987,682, C>T on the plus strand (G>A on the coding strand, the complement: PROM1 is on the minus strand). VCF-style: chr4-15987682-C-T. GRCh37 (hg19) VCF-style: chr4-15989305-C-T.
Other names: c.2084G>A, p.Arg695His (NM_001145847.2, NM_001145848.2, NM_001145851.2 and 4 more transcripts); c.2111G>A, p.Arg704His (NM_001145849.2, NM_001145850.2); short protein forms R704H, R695H.
Identifiers: ClinVar variation 952391 (VCV000952391.9), dbSNP rs771239030, ClinGen allele CA2866507.
Genomic context (GRCh38, chr4:15,987,682, plus strand): 5'-TATAACAAAACCCCATGACAGAAAACAAAGTAAACCCTTACCAACAATCCATTCCCTGTG[C>T]GTTGAAGTATCTTGACGCTTTGGTATAGAGTGCTCTGGCAAGAAACAGATAATATTTCCA-3'
Protein context (NP_006008.1, residues 694-714): TLYQSVKILQ[Arg704His]TGNGLLERVT